The following is an entry in ClinVar:

NM_001384140.1(PCDH15):c.42G>T (p.Gly14=)

Gene: PCDH15 (protocadherin related 15; minus strand). Cytogenetic location: 10q21.1.
Variant type: single nucleotide variant.
Coding change: c.42G>T on transcript NM_001384140.1 (MANE Select); coding-DNA position 42, G replaced by T.
Protein change: p.Gly14=; no amino-acid change (glycine 14 retained).
Molecular consequence: synonymous variant.
Genome position (GRCh38, 1-based): chr10:54,664,221, C>A on the plus strand (G>T on the coding strand, the complement: PCDH15 is on the minus strand). VCF-style: chr10-54664221-C-A. GRCh37 (hg19) VCF-style: chr10-56423981-C-A.
Other names: c.42G>T, p.Gly14= (NM_001142763.2, NM_001142764.2, NM_001142765.2 and 14 more transcripts).
Identifiers: ClinVar variation 851245 (VCV000851245.7), dbSNP rs1043975803, ClinGen allele CA207620758.

ClinVar aggregate classification (germline): Uncertain significance (1 of 4 stars; one submission).

Allele frequency attached by ClinVar (database versions not stated): TOPMed 0.00002.
gnomAD v4.1: 19 of 1,612,180 alleles (0.0012%); highest among the groups gnomAD compares: Non-Finnish European, 0.0016%; no homozygotes.

Submission:

Labcorp Genetics (formerly Invitae), Labcorp
Classification: Uncertain significance. Last evaluated: 2024-10-29. Review status: criteria provided, single submitter. Criteria: Invitae Variant Classification Sherloc (09022015). Collection method: clinical testing. Allele origin: germline.
Comment: This sequence change affects codon 14 of the PCDH15 mRNA. It is a 'silent' change, meaning that it does not change the encoded amino acid sequence of the PCDH15 protein. This variant is not present in population databases (gnomAD no frequency). This variant has not been reported in the literature in individuals affected with PCDH15-related conditions. ClinVar contains an entry for this variant (Variation ID: 851245). Algorithms developed to predict the effect of sequence changes on RNA splicing suggest that this variant may create or strengthen a splice site. In summary, the available evidence is currently insufficient to determine the role of this variant in disease. Therefore, it has been classified as a Variant of Uncertain Significance.